The following is an entry in ClinVar:

ClinVar aggregate classification (germline): Uncertain significance. Review status: criteria provided, multiple submitters, no conflicts (2 of 4 stars). 2 submissions from 2 submitters: Uncertain significance (2). Last evaluated 2022-09-01.

Conditions:
Imerslund-Grasbeck syndrome type 2. Also called: MEGALOBLASTIC ANEMIA, NORWEGIAN TYPE; Imerslund-Gräsbeck syndrome 2; Megaloblastic anemia 1, Norwegian type. Identifiers: MedGen C4016948, MONDO:0100157, OMIM 618882.
Cobalamin deficiency. Also called: Vitamin B12 deficiency. Identifiers: MedGen C0042847, MONDO:0020696, HP:0100502.
Megaloblastic anemia. Identifiers: MedGen C0002888, MONDO:0001700, HP:0001889.

Submissions (2):

3billion
Classification: Uncertain significance for Imerslund-Grasbeck syndrome type 2. Last evaluated: 2022-09-01. Review status: criteria provided, single submitter. Criteria: ACMG Guidelines, 2015. Collection method: clinical testing. Allele origin: germline. Affected: yes. Observed: 1 homozygote.
Comment: The variant is not observed in the gnomAD v2.1.1 dataset. While this variant results in missense change, protein truncation variants are a common disease-causing mechanism. In silico tool predictions suggest damaging effect of the variant on gene or gene product (REVEL: 0.74; 3Cnet: 0.59). Therefore, this variant is classified as uncertain significance according to the recommendation of ACMG/AMP guideline.

Centre for Mendelian Genomics, University Medical Centre Ljubljana
Classification: Uncertain significance for Megaloblastic anemia; Cobalamin deficiency. Last evaluated: 2017-01-01. Review status: criteria provided, single submitter. Criteria: ACMG Guidelines, 2015. Collection method: clinical testing. Allele origin: unknown. Affected: yes.

NM_030943.4(AMN):c.149T>C (p.Phe50Ser)

Gene: AMN (amnion associated transmembrane protein; plus strand). Cytogenetic location: 14q32.32.
Variant type: single nucleotide variant.
Coding change: c.149T>C on transcript NM_030943.4 (MANE Select); coding-DNA position 149, T replaced by C.
Protein change: p.Phe50Ser; replaces phenylalanine 50 with serine.
Molecular consequence: missense variant.
Genome position (GRCh38, 1-based): chr14:102,923,816, T>C. VCF-style: chr14-102923816-T-C. GRCh37 (hg19) VCF-style: chr14-103390153-T-C.
Other names: short protein forms F50S.
Identifiers: ClinVar variation 523537 (VCV000523537.3), dbSNP rs772475317, ClinGen allele CA391079472.